The following is an entry in ClinVar:

ClinVar aggregate classification (germline): Uncertain significance (1 of 4 stars; one submission).

Submission:

Women's Health and Genetics/Laboratory Corporation of America, LabCorp
Classification: Uncertain significance. Last evaluated: 2024-03-22. Review status: criteria provided, single submitter. Criteria: LabCorp Variant Classification Summary - May 2015. Collection method: clinical testing. Allele origin: germline.
Comment: Variant summary: EIF2AK1 c.545A>G (p.Tyr182Cys) results in a non-conservative amino acid change located in the Protein kinase domain (IPR000719) of the encoded protein sequence. Four of five in-silico tools predict a damaging effect of the variant on protein function. The variant was absent in 250832 control chromosomes. The available data on variant occurrences in the general population are insufficient to allow any conclusion about variant significance. To our knowledge, no occurrence of c.545A>G in individuals affected with Leukoencephalopathy, Motor Delay, Spasticity, And Dysarthria Syndrome and no experimental evidence demonstrating its impact on protein function have been reported. No submitters have cited clinical-significance assessments for this variant to ClinVar. Based on the evidence outlined above, the variant was classified as uncertain significance.

NM_014413.4(EIF2AK1):c.545A>G (p.Tyr182Cys)

Gene: EIF2AK1 (eukaryotic translation initiation factor 2 alpha kinase 1; minus strand). Cytogenetic location: 7p22.1.
Variant type: single nucleotide variant.
Coding change: c.545A>G on transcript NM_014413.4 (MANE Select); coding-DNA position 545, A replaced by G.
Protein change: p.Tyr182Cys; replaces tyrosine 182 with cysteine.
Molecular consequence: missense variant.
Genome position (GRCh38, 1-based): chr7:6,046,996, T>C on the plus strand (A>G on the coding strand, the complement: EIF2AK1 is on the minus strand). VCF-style: chr7-6046996-T-C. GRCh37 (hg19) VCF-style: chr7-6086627-T-C.
Other names: c.545A>G, p.Tyr182Cys (NM_001134335.2); short protein forms Y182C.
Identifiers: ClinVar variation 3233796 (VCV003233796.2), dbSNP rs2536915395, ClinGen allele CA366756554.